The following is an entry in ClinVar:

NM_000059.4(BRCA2):c.1423G>A (p.Glu475Lys)

Gene: BRCA2 (BRCA2 DNA repair associated; plus strand). Cytogenetic location: 13q13.1.
Variant type: single nucleotide variant.
Coding change: c.1423G>A on transcript NM_000059.4 (MANE Select); coding-DNA position 1423, G replaced by A.
Protein change: p.Glu475Lys; replaces glutamic acid 475 with lysine.
Molecular consequence: missense variant. On other transcripts: non-coding transcript variant (1), intron variant (1).
Genome position (GRCh38, 1-based): chr13:32,332,901, G>A. VCF-style: chr13-32332901-G-A. GRCh37 (hg19) VCF-style: chr13-32907038-G-A.
Other names: c.1423G>A, p.Glu475Lys (NM_001406719.1, NM_001406720.1, NM_001406721.1 and 1 more transcripts); c.424+1871G>A (NM_001406722.1); short protein forms E475K.
Identifiers: ClinVar variation 3482151 (VCV003482151.1).

ClinVar aggregate classification (germline): Uncertain significance (1 of 4 stars; one submission).

Conditions:
Hereditary cancer-predisposing syndrome. Also called: Tumor predisposition; Neoplastic Syndromes, Hereditary; Hereditary Cancer Syndrome; Hereditary neoplastic syndrome. Identifiers: Orphanet 140162, MedGen C0027672, MeSH D009386, MONDO:0015356.

Submission:

Ambry Genetics
Classification: Uncertain significance for Hereditary cancer-predisposing syndrome. Last evaluated: 2024-11-13. Review status: criteria provided, single submitter. Criteria: Ambry Variant Classification Scheme 2023. Collection method: clinical testing. Allele origin: germline.
Comment: The p.E475K variant (also known as c.1423G>A), located in coding exon 9 of the BRCA2 gene, results from a G to A substitution at nucleotide position 1423. The glutamic acid at codon 475 is replaced by lysine, an amino acid with similar properties. This amino acid position is not well conserved in available vertebrate species. In addition, this alteration is predicted to be tolerated by in silico analysis. Based on the available evidence, the clinical significance of this variant remains unclear.